The following is an entry in ClinVar:

ClinVar aggregate classification (germline): Uncertain significance (1 of 4 stars; one submission).

Conditions:
Severe combined immunodeficiency due to IKK2 deficiency. Also called: Immunodeficiency 15; IMMUNODEFICIENCY 15B. Identifiers: Orphanet 397787, MedGen C4747743, MONDO:0014267, OMIM 615592.

Allele frequency attached by ClinVar (database versions not stated): gnomAD exomes below 0.00001; TOPMed below 0.00001; gnomAD 0.00001.
gnomAD v4.1: 3 of 1,614,004 alleles (0.00019%); highest among the groups gnomAD compares: Non-Finnish European, 0.00025%; no homozygotes.

Submission:

Labcorp Genetics (formerly Invitae), Labcorp
Classification: Uncertain significance for Severe combined immunodeficiency due to IKK2 deficiency. Last evaluated: 2021-08-28. Review status: criteria provided, single submitter. Criteria: Invitae Variant Classification Sherloc (09022015). Collection method: clinical testing. Allele origin: germline.
Comment: This sequence change replaces isoleucine with valine at codon 362 of the IKBKB protein (p.Ile362Val). The isoleucine residue is weakly conserved and there is a small physicochemical difference between isoleucine and valine. This variant is not present in population databases (ExAC no frequency). This variant has not been reported in the literature in individuals affected with IKBKB-related conditions. Algorithms developed to predict the effect of missense changes on protein structure and function (SIFT, PolyPhen-2, Align-GVGD) all suggest that this variant is likely to be tolerated. In summary, the available evidence is currently insufficient to determine the role of this variant in disease. Therefore, it has been classified as a Variant of Uncertain Significance.

NM_001556.3(IKBKB):c.1084A>G (p.Ile362Val)

Gene: IKBKB (inhibitor of nuclear factor kappa B kinase subunit beta; plus strand). Cytogenetic location: 8p11.21.
Variant type: single nucleotide variant.
Coding change: c.1084A>G on transcript NM_001556.3 (MANE Select); coding-DNA position 1084, A replaced by G.
Protein change: p.Ile362Val; replaces isoleucine 362 with valine.
Molecular consequence: missense variant. On other transcripts: non-coding transcript variant (3).
Genome position (GRCh38, 1-based): chr8:42,316,863, A>G. VCF-style: chr8-42316863-A-G. GRCh37 (hg19) VCF-style: chr8-42174381-A-G.
Other names: c.892A>G, p.Ile298Val (NM_001190720.3); c.907A>G, p.Ile303Val (NM_001242778.2); short protein forms I298V, I303V, I362V.
Identifiers: ClinVar variation 1009653 (VCV001009653.2), dbSNP rs1263837874, ClinGen allele CA371085513.